The following is an entry in ClinVar:

NM_006767.4(LZTR1):c.1353+5G>A

Gene: LZTR1 (leucine zipper like post translational regulator 1; plus strand). Cytogenetic location: 22q11.21.
Variant type: single nucleotide variant.
Coding change: c.1353+5G>A on transcript NM_006767.4 (MANE Select); 5 bases into the intron after coding-DNA position 1353, G replaced by A.
Molecular consequence: intron variant.
Genome position (GRCh38, 1-based): chr22:20,993,759, G>A. VCF-style: chr22-20993759-G-A. GRCh37 (hg19) VCF-style: chr22-21348048-G-A.
Identifiers: ClinVar variation 1422941 (VCV001422941.11), dbSNP rs544140578, ClinGen allele CA10118828.

ClinVar aggregate classification (germline): Conflicting classifications of pathogenicity. Review status: criteria provided, conflicting classifications (1 of 4 stars). 3 submissions from 3 submitters: Likely pathogenic (1); Uncertain significance (2). Last evaluated 2025-08-26.

Conditions:
Hereditary cancer-predisposing syndrome. Also called: Neoplastic Syndromes, Hereditary; Hereditary Cancer Syndrome; Tumor predisposition; Hereditary neoplastic syndrome. Identifiers: Orphanet 140162, MedGen C0027672, MeSH D009386, MONDO:0015356.
Cardiovascular phenotype. Identifiers: MedGen CN230736.

Allele frequency attached by ClinVar (database versions not stated): TOPMed below 0.00001; gnomAD 0.00001; 1000 Genomes Project 30x 0.00016; 1000 Genomes Project 0.00020.
gnomAD v4.1: 7 of 1,611,508 alleles (0.00043%); highest among the groups gnomAD compares: East Asian, 0.0022%; no homozygotes.

Submissions (3):

GeneDx
Classification: Likely pathogenic. Last evaluated: 2025-08-26. Review status: criteria provided, single submitter. Criteria: GeneDx Variant Classification Process June 2021. Collection method: clinical testing. Allele origin: germline.
Comment: Intronic +5 splice site variant in a gene for which loss of function is a known mechanism of disease, and both splice predictors and evolutionary conservation support a deleterious effect, although in the absence of functional evidence the actual effect of this sequence change is unknown.; Not observed at significant frequency in large population cohorts (gnomAD); Has not been previously published as pathogenic or benign to our knowledge

Labcorp Genetics (formerly Invitae), Labcorp
Classification: Uncertain significance. Last evaluated: 2024-11-11. Review status: criteria provided, single submitter. Criteria: Invitae Variant Classification Sherloc (09022015). Collection method: clinical testing. Allele origin: germline.
Comment: This sequence change falls in intron 12 of the LZTR1 gene. It does not directly change the encoded amino acid sequence of the LZTR1 protein. It affects a nucleotide within the consensus splice site. This variant is present in population databases (rs544140578, gnomAD 0.004%). This variant has not been reported in the literature in individuals affected with LZTR1-related conditions. ClinVar contains an entry for this variant (Variation ID: 1422941). Variants that disrupt the consensus splice site are a relatively common cause of aberrant splicing (PMID: 17576681, 9536098). Algorithms developed to predict the effect of sequence changes on RNA splicing suggest that this variant may disrupt the consensus splice site. In summary, the available evidence is currently insufficient to determine the role of this variant in disease. Therefore, it has been classified as a Variant of Uncertain Significance.

Ambry Genetics
Classification: Uncertain significance for Cardiovascular phenotype; Hereditary cancer-predisposing syndrome. Last evaluated: 2024-09-13. Review status: criteria provided, single submitter. Criteria: Ambry Variant Classification Scheme 2023. Collection method: clinical testing. Allele origin: germline.
Comment: The c.1353+5G>A intronic variant results from a G to A substitution 5 nucleotides after coding exon 12 in the LZTR1 gene. This nucleotide position is highly conserved in available vertebrate species. In silico splice site analysis predicts that this alteration will weaken the native splice donor site; however, direct evidence is insufficient at this time (Ambry internal data). Since supporting evidence is limited at this time, the clinical significance of this alteration remains unclear.

Literature cited by the submitters: PubMed 17576681 (cited by Labcorp Genetics (formerly Invitae), Labcorp); PubMed 9536098 (cited by Labcorp Genetics (formerly Invitae), Labcorp).